The following is an entry in ClinVar:

ClinVar aggregate classification (germline): Likely benign. Review status: criteria provided, multiple submitters, no conflicts (2 of 4 stars). 2 submissions from 2 submitters: Likely benign (2). Last evaluated 2025-07-08.

Conditions:
DSCAM-related disorder. Also called: DSCAM-related condition.
Inborn genetic diseases. Identifiers: MedGen C0950123, MeSH D030342.

Allele frequency attached by ClinVar (database versions not stated): ExAC 0.00016; gnomAD 0.00017; gnomAD exomes 0.00023; TOPMed 0.00024.
gnomAD v4.1: 370 of 1,595,714 alleles (0.023%); highest among the groups gnomAD compares: Middle Eastern, 0.18%; no homozygotes.

Submissions (2):

PreventionGenetics, part of Exact Sciences
Classification: Likely benign for DSCAM-related condition. Last evaluated: 2025-07-08. Review status: criteria provided, single submitter. Criteria: ACMG Guidelines, 2015. Collection method: clinical testing. Allele origin: germline.
Comment: This variant is classified as likely benign based on ACMG/AMP sequence variant interpretation guidelines (Richards et al. 2015 PMID: 25741868, with internal and published modifications).

Ambry Genetics
Classification: Likely benign for Inborn genetic diseases. Last evaluated: 2022-04-22. Review status: criteria provided, single submitter. Criteria: Ambry Variant Classification Scheme 2023. Collection method: clinical testing. Allele origin: germline.

NM_001389.5(DSCAM):c.4063G>A (p.Gly1355Ser)

Gene: DSCAM (DS cell adhesion molecule; minus strand). Cytogenetic location: 21q22.2.
Variant type: single nucleotide variant.
Coding change: c.4063G>A on transcript NM_001389.5 (MANE Select); coding-DNA position 4063, G replaced by A.
Protein change: p.Gly1355Ser; replaces glycine 1355 with serine.
Molecular consequence: missense variant. On other transcripts: non-coding transcript variant (1).
Genome position (GRCh38, 1-based): chr21:40,085,671, C>T on the plus strand (G>A on the coding strand, the complement: DSCAM is on the minus strand). VCF-style: chr21-40085671-C-T. GRCh37 (hg19) VCF-style: chr21-41457598-C-T.
Other names: c.4063G>A, p.Gly1355Ser (NM_001271534.3, NM_206887.1); short protein forms G1355S.
Identifiers: ClinVar variation 2355327 (VCV002355327.3), dbSNP rs200670025, ClinGen allele CA10030759.